The following is an entry in ClinVar:

NM_000384.3(APOB):c.10451A>G (p.Glu3484Gly)

Gene: APOB (apolipoprotein B; minus strand). Cytogenetic location: 2p24.1.
Variant type: single nucleotide variant.
Coding change: c.10451A>G on transcript NM_000384.3 (MANE Select); coding-DNA position 10451, A replaced by G.
Protein change: p.Glu3484Gly; replaces glutamic acid 3484 with glycine.
Molecular consequence: missense variant.
Genome position (GRCh38, 1-based): chr2:21,006,417, T>C on the plus strand (A>G on the coding strand, the complement: APOB is on the minus strand). VCF-style: chr2-21006417-T-C. GRCh37 (hg19) VCF-style: chr2-21229289-T-C.
Other names: short protein forms E3484G.
Identifiers: ClinVar variation 3753596 (VCV003753596.2).

ClinVar aggregate classification (germline): Uncertain significance (1 of 4 stars; one submission).

Conditions:
Familial hypobetalipoproteinemia 1. Also called: APOB-Related Familial Hypobetalipoproteinemia; Hypobetalipoproteinemia, normotriglyceridemic; Acanthocytosis with hypobetalipoproteinemia. Identifiers: MedGen C4551990, MONDO:0014252, OMIM 615558.
Hypercholesterolemia, autosomal dominant, type B (FHCL2). Also called: Familial Hypercholesterolemia Type B; APOLIPOPROTEIN B-100, FAMILIAL DEFECTIVE; APOLIPOPROTEIN B-100, FAMILIAL LIGAND-DEFECTIVE; HYPERCHOLESTEROLEMIA, FAMILIAL, DUE TO LIGAND-DEFECTIVE APOLIPOPROTEIN B; Hyperlipoproteinemia Type IIb; Familial hypercholesterolemia 2. Identifiers: MedGen C1704417, MONDO:0007751, OMIM 144010.

Submission:

Labcorp Genetics (formerly Invitae), Labcorp
Classification: Uncertain significance for Familial hypobetalipoproteinemia 1; Hypercholesterolemia, autosomal dominant, type B. Last evaluated: 2024-10-21. Review status: criteria provided, single submitter. Criteria: Invitae Variant Classification Sherloc (09022015). Collection method: clinical testing. Allele origin: germline.
Comment: This sequence change replaces glutamic acid, which is acidic and polar, with glycine, which is neutral and non-polar, at codon 3484 of the APOB protein (p.Glu3484Gly). This variant is not present in population databases (gnomAD no frequency). This variant has not been reported in the literature in individuals affected with APOB-related conditions. Invitae Evidence Modeling of protein sequence and biophysical properties (such as structural, functional, and spatial information, amino acid conservation, physicochemical variation, residue mobility, and thermodynamic stability) has been performed for this missense variant. However, the output from this modeling did not meet the statistical confidence thresholds required to predict the impact of this variant on APOB protein function. In summary, the available evidence is currently insufficient to determine the role of this variant in disease. Therefore, it has been classified as a Variant of Uncertain Significance.